The following is an entry in ClinVar:

NM_182914.3(SYNE2):c.19415C>T (p.Ser6472Leu)

Gene: SYNE2 (spectrin repeat containing nuclear envelope protein 2; plus strand). Cytogenetic location: 14q23.2.
Variant type: single nucleotide variant.
Coding change: c.19415C>T on transcript NM_182914.3 (MANE Select); coding-DNA position 19415, C replaced by T.
Protein change: p.Ser6472Leu; replaces serine 6472 with leucine.
Molecular consequence: missense variant. On other transcripts: 5 prime UTR variant (1).
Genome position (GRCh38, 1-based): chr14:64,216,260, C>T. VCF-style: chr14-64216260-C-T. GRCh37 (hg19) VCF-style: chr14-64682978-C-T.
Other names: c.19346C>T, p.Ser6449Leu (NM_015180.6); c.-62C>T (NM_182910.2); c.317C>T, p.Ser106Leu (NM_182913.4); short protein forms S6472L, S6449L, S106L.
Identifiers: ClinVar variation 282189 (VCV000282189.44), dbSNP rs150955173, ClinGen allele CA7224439.
Genomic context (GRCh38, chr14:64,216,260, plus strand): 5'-CCGTTCAGTAGGAGAGAATAGACTGTCGCTTGCTGTCTTTCGTTTCAGGTAAATCCATTT[C>T]GGATGGCCACTCGTGGCATGTTCCCGACAGCCCTTCCTGTCCCGAGCATCACTACAAGCA-3'
Protein context (NP_878918.2, residues 6462-6482): TLKASSGKSI[Ser6472Leu]DGHSWHVPDS

ClinVar aggregate classification (germline): Benign/Likely benign. Review status: criteria provided, multiple submitters, no conflicts (2 of 4 stars). 5 submissions from 5 submitters: Benign (3); Likely benign (1). 1 of the submissions does not count toward it. Last evaluated 2026-05-01.

Conditions:
SYNE2-related disorder. Also called: SYNE2-related condition.
Emery-Dreifuss muscular dystrophy 5, autosomal dominant (EDMD5). Also called: EMERY-DREIFUSS MUSCULAR DYSTROPHY 5. Identifiers: Orphanet 261, MedGen C2751805, MONDO:0013072, OMIM 612999.

Allele frequency attached by ClinVar (database versions not stated): 1000 Genomes Project 0.00060; 1000 Genomes Project 30x 0.00062; ESP Exome Variant Server 0.00161; TOPMed 0.00170; gnomAD 0.00229 and 0.00242; gnomAD exomes 0.00249 and 0.00307; ExAC 0.00259.
gnomAD v4.1: 4,759 of 1,614,206 alleles (0.29%); highest among the groups gnomAD compares: Non-Finnish European, 0.34%; 14 homozygotes.

Submissions (5):

CeGaT Center for Human Genetics Tuebingen
Classification: Benign. Last evaluated: 2026-05-01. Review status: criteria provided, single submitter. Criteria: CeGaT Center For Human Genetics Tuebingen Variant Classification Criteria Version 2. Collection method: clinical testing. Allele origin: germline. Affected: yes. Observed: 7 variant alleles.
Comment: SYNE2: BP4, BS1, BS2

Labcorp Genetics (formerly Invitae), Labcorp
Classification: Likely benign for Emery-Dreifuss muscular dystrophy 5, autosomal dominant. Last evaluated: 2026-01-20. Review status: criteria provided, single submitter. Criteria: Invitae Variant Classification Sherloc (09022015). Collection method: clinical testing. Allele origin: germline.

Illumina Laboratory Services, Illumina
Classification: Benign for Emery-Dreifuss muscular dystrophy 5, autosomal dominant. Last evaluated: 2018-01-13. Review status: criteria provided, single submitter. Criteria: ICSL Variant Classification Criteria 13 December 2019. Collection method: clinical testing. Allele origin: germline.
Comment: This variant was observed in the ICSL laboratory as part of a predisposition screen in an ostensibly healthy population. It had not been previously curated by ICSL or reported in the Human Gene Mutation Database (HGMD: prior to June 1st, 2018), and was therefore a candidate for classification through an automated scoring system. Utilizing variant allele frequency, disease prevalence and penetrance estimates, and inheritance mode, an automated score was calculated to assess if this variant is too frequent to cause the disease. Based on the score and internal cut-off values, a variant classified as benign is not then subjected to further curation. The score for this variant resulted in a classification of benign for this disease.

Eurofins Ntd Llc (ga)
Classification: Benign. Last evaluated: 2015-07-30. Review status: criteria provided, single submitter. Criteria: EGL Classification Definitions 2015. Collection method: clinical testing. Allele origin: germline. Observed: 1 variant allele, 1 heterozygote.

PreventionGenetics, part of Exact Sciences
Classification: Benign for SYNE2-related condition. Last evaluated: 2019-06-21. Review status: no assertion criteria provided. Collection method: clinical testing. Allele origin: germline. Not counted in ClinVar's aggregate classification.
Comment: This variant is classified as benign based on ACMG/AMP sequence variant interpretation guidelines (Richards et al. 2015 PMID: 25741868, with internal and published modifications).